The following is an entry in ClinVar:

NM_003041.4(SLC5A2):c.1588G>A (p.Ala530Thr)

Gene: SLC5A2 (solute carrier family 5 member 2; plus strand). Cytogenetic location: 16p11.2.
Variant type: single nucleotide variant.
Coding change: c.1588G>A on transcript NM_003041.4 (MANE Select); coding-DNA position 1588, G replaced by A.
Protein change: p.Ala530Thr; replaces alanine 530 with threonine.
Molecular consequence: missense variant. On other transcripts: non-coding transcript variant (1).
Genome position (GRCh38, 1-based): chr16:31,489,261, G>A. VCF-style: chr16-31489261-G-A. GRCh37 (hg19) VCF-style: chr16-31500582-G-A.
Other names: short protein forms A530T.
Identifiers: ClinVar variation 4291944 (VCV004291944.1).
Genomic context (GRCh38, chr16:31,489,261, plus strand): 5'-AGCTGTGTGCAGCCCTCGGCGTGCCCAGCTTTCCTCTGCGGCGTGCACTACCTCTACTTC[G>A]CCATTGTGCTGTTCTTCTGCTCTGGCCTCCTCACCCTCACGGTCTCCCTGTGCACCGCGC-3'
Protein context (NP_003032.1, residues 520-540): FLCGVHYLYF[Ala530Thr]IVLFFCSGLL

ClinVar aggregate classification (germline): Uncertain significance (1 of 4 stars; one submission).

Conditions:
Familial renal glucosuria (GLYS). Also called: RENAL GLUCOSURIA, AUTOSOMAL DOMINANT; Familial renal glycosuria. Identifiers: Orphanet 69076, MedGen C3245525, MONDO:0009297, OMIM 233100.

Submission:

3billion
Classification: Uncertain significance for Familial renal glucosuria. Last evaluated: 2025-02-15. Review status: criteria provided, single submitter. Criteria: ACMG Guidelines, 2015. Collection method: clinical testing. Allele origin: germline. Affected: yes.
Comment: The variant is observed at an extremely low frequency in the gnomAD v4.1.0 dataset (total allele frequency: <0.001%). Predicted Consequence/Location: Missense variant Damaging effect on gene or gene product predicted by in silico programs is uncertain [REVEL: 0.54 (damaging >=0.6, benign <0.4), 3Cnet: 0.01 (damaging >=0.6, benign <0.15)]. Therefore, this variant is classified as VUS according to the recommendation of ACMG/AMP guideline.